The following is an entry in ClinVar:

ClinVar aggregate classification (germline): Uncertain significance (1 of 4 stars; one submission).

Allele frequency attached by ClinVar (database versions not stated): gnomAD exomes below 0.00001.
gnomAD v4.1: 1 of 1,614,198 alleles (0.000062%); highest among the groups gnomAD compares: Admixed American, 0.0017%; no homozygotes.

Submission:

Labcorp Genetics (formerly Invitae), Labcorp
Classification: Uncertain significance. Last evaluated: 2024-02-11. Review status: criteria provided, single submitter. Criteria: Invitae Variant Classification Sherloc (09022015). Collection method: clinical testing. Allele origin: germline.
Comment: This sequence change replaces aspartic acid, which is acidic and polar, with histidine, which is basic and polar, at codon 817 of the SH3PXD2B protein (p.Asp817His). This variant is not present in population databases (gnomAD no frequency). This variant has not been reported in the literature in individuals affected with SH3PXD2B-related conditions. Algorithms developed to predict the effect of missense changes on protein structure and function are either unavailable or do not agree on the potential impact of this missense change (SIFT: "Not Available"; PolyPhen-2: "Possibly Damaging"; Align-GVGD: "Not Available"). In summary, the available evidence is currently insufficient to determine the role of this variant in disease. Therefore, it has been classified as a Variant of Uncertain Significance.

NM_001017995.3(SH3PXD2B):c.2449G>C (p.Asp817His)

Gene: SH3PXD2B (SH3 and PX domains 2B; minus strand). Cytogenetic location: 5q35.1.
Variant type: single nucleotide variant.
Coding change: c.2449G>C on transcript NM_001017995.3 (MANE Select); coding-DNA position 2449, G replaced by C.
Protein change: p.Asp817His; replaces aspartic acid 817 with histidine.
Molecular consequence: missense variant. On other transcripts: intron variant (1).
Genome position (GRCh38, 1-based): chr5:172,338,656, C>G on the plus strand (G>C on the coding strand, the complement: SH3PXD2B is on the minus strand). VCF-style: chr5-172338656-C-G. GRCh37 (hg19) VCF-style: chr5-171765660-C-G.
Other names: c.1188+7480G>C (NM_001308175.2); short protein forms D817H.
Identifiers: ClinVar variation 1518507 (VCV001518507.5), dbSNP rs2113250970, ClinGen allele CA362145420.
Genomic context (GRCh38, chr5:172,338,656, plus strand): 5'-CCCTGTTTTCTCCAATCTTGCCGGTCCCCCATGGCCCCAGGCTGCCTTTGCCTCGCGTGT[C>G]ATCCTGGCCCCCCAAAGAGTTGGAGAGAAAAGGTTTGGCTTTTGGAGGGACGAGGAGAGC-3'
Protein context (NP_001017995.1, residues 807-827): FLSNSLGGQD[Asp817His]TRGKGSLGPW